The following is an entry in ClinVar:

ClinVar aggregate classification (germline): Uncertain significance (1 of 4 stars; one submission).

Allele frequency attached by ClinVar (database versions not stated): gnomAD exomes below 0.00001 and 0.00001; gnomAD 0.00001; TOPMed 0.00001.
gnomAD v4.1: 15 of 1,612,786 alleles (0.00093%); highest among the groups gnomAD compares: South Asian, 0.0055%; no homozygotes.

Submission:

Labcorp Genetics (formerly Invitae), Labcorp
Classification: Uncertain significance. Last evaluated: 2021-11-05. Review status: criteria provided, single submitter. Criteria: Invitae Variant Classification Sherloc (09022015). Collection method: clinical testing. Allele origin: germline.
Comment: Algorithms developed to predict the effect of missense changes on protein structure and function (SIFT, PolyPhen-2, Align-GVGD) all suggest that this variant is likely to be tolerated. This variant has not been reported in the literature in individuals affected with ZNF335-related conditions. The frequency data for this variant in the population databases is considered unreliable, as metrics indicate poor data quality at this position in the gnomAD database. In summary, the available evidence is currently insufficient to determine the role of this variant in disease. Therefore, it has been classified as a Variant of Uncertain Significance. This sequence change replaces glutamic acid, which is acidic and polar, with lysine, which is basic and polar, at codon 226 of the ZNF335 protein (p.Glu226Lys).

NM_022095.4(ZNF335):c.676G>A (p.Glu226Lys)

Gene: ZNF335 (zinc finger protein 335; minus strand). Cytogenetic location: 20q13.12.
Variant type: single nucleotide variant.
Coding change: c.676G>A on transcript NM_022095.4 (MANE Select); coding-DNA position 676, G replaced by A.
Protein change: p.Glu226Lys; replaces glutamic acid 226 with lysine.
Molecular consequence: missense variant.
Genome position (GRCh38, 1-based): chr20:45,967,872, C>T on the plus strand (G>A on the coding strand, the complement: ZNF335 is on the minus strand). VCF-style: chr20-45967872-C-T. GRCh37 (hg19) VCF-style: chr20-44596511-C-T.
Other names: short protein forms E226K.
Identifiers: ClinVar variation 1391433 (VCV001391433.6), dbSNP rs1180782230, ClinGen allele CA409192519.
Genomic context (GRCh38, chr20:45,967,872, plus strand): 5'-TGAACTGCTGCACCACCACCACCTCCATCATGGCCTCCAGGCTCTGCAGGTCCGGCTCTT[C>T]GGCACCGGAGGCTGGGGGCAGCTGCACCGGGGAGCTGGGCCCACCCTGTGCCTCCAGGCA-3'
Protein context (NP_071378.1, residues 216-236): PVQLPPASGA[Glu226Lys]EPDLQSLEAM